The following is an entry in ClinVar:

ClinVar aggregate classification (germline): Uncertain significance (1 of 4 stars; one submission).

Conditions:
Developmental and epileptic encephalopathy, 53. Also called: Epileptic encephalopathy, early infantile, 53. Identifiers: MedGen C4479313, MONDO:0033362, OMIM 617389.
Early-onset Parkinson disease 20. Also called: PARKINSON DISEASE 20, AUTOSOMAL RECESSIVE EARLY-ONSET. Identifiers: Orphanet 391411, MedGen C3809824, MONDO:0014233, OMIM 615530.

Submission:

Labcorp Genetics (formerly Invitae), Labcorp
Classification: Uncertain significance for Developmental and epileptic encephalopathy, 53; Early-onset Parkinson disease 20. Last evaluated: 2021-08-27. Review status: criteria provided, single submitter. Criteria: Invitae Variant Classification Sherloc (09022015). Collection method: clinical testing. Allele origin: germline.
Comment: Algorithms developed to predict the effect of missense changes on protein structure and function are either unavailable or do not agree on the potential impact of this missense change (SIFT: "Tolerated"; PolyPhen-2: "Possibly Damaging"; Align-GVGD: "Class C0"). This sequence change replaces lysine with glutamine at codon 606 of the SYNJ1 protein (p.Lys606Gln). The lysine residue is moderately conserved and there is a small physicochemical difference between lysine and glutamine. This variant is not present in population databases (ExAC no frequency). This variant has not been reported in the literature in individuals affected with SYNJ1-related conditions. In summary, the available evidence is currently insufficient to determine the role of this variant in disease. Therefore, it has been classified as a Variant of Uncertain Significance.

NM_203446.3(SYNJ1):c.1699A>C (p.Lys567Gln)

Gene: SYNJ1 (synaptojanin 1; minus strand). Cytogenetic location: 21q22.11.
Variant type: single nucleotide variant.
Coding change: c.1699A>C on transcript NM_203446.3 (MANE Select); coding-DNA position 1699, A replaced by C.
Protein change: p.Lys567Gln; replaces lysine 567 with glutamine.
Molecular consequence: missense variant.
Genome position (GRCh38, 1-based): chr21:32,673,367, T>G on the plus strand (A>C on the coding strand, the complement: SYNJ1 is on the minus strand). VCF-style: chr21-32673367-T-G. GRCh37 (hg19) VCF-style: chr21-34045677-T-G.
Other names: c.1699A>C, p.Lys567Gln (NM_001160302.2); c.1684A>C, p.Lys562Gln (NM_001160306.2); c.1816A>C, p.Lys606Gln (NM_003895.4); short protein forms K562Q, K567Q, K606Q.
Identifiers: ClinVar variation 1471193 (VCV001471193.6), dbSNP rs2145981132, ClinGen allele CA410084530.